The following is an entry in ClinVar:

NM_004380.3(CREBBP):c.521del (p.Gly174fs)

Gene: CREBBP (CREB binding lysine acetyltransferase; minus strand). Cytogenetic location: 16p13.3.
Variant type: Deletion.
Coding change: c.521del on transcript NM_004380.3 (MANE Select); coding-DNA position 521, one base deleted (G; older notation c.521delG).
Protein change: p.Gly174fs; shifts the reading frame from glycine 174.
Molecular consequence: frameshift variant.
Genome position (GRCh38, 1-based): chr16:3,850,574, C deleted on the plus strand (G on the coding strand, the reverse complement: CREBBP is on the minus strand); the first of 2 consecutive C bases (chr16:3,850,574-3,850,575); deleting either gives the same sequence. VCF-style (leftmost placement, unchanged base first): chr16-3850573-AC-A. GRCh37 (hg19) VCF-style: chr16-3900574-AC-A.
Other names: c.521del, p.Gly174fs (NM_001079846.1); short protein forms G174fs.
Identifiers: ClinVar variation 1994881 (VCV001994881.4), dbSNP rs2548545122, ClinGen allele CA2580091143.

ClinVar aggregate classification (germline): Pathogenic (1 of 4 stars; one submission).

Conditions:
Rubinstein-Taybi syndrome (RSTS). Identifiers: Orphanet 783, MedGen C0035934, MONDO:0019188.

Submission:

Labcorp Genetics (formerly Invitae), Labcorp
Classification: Pathogenic for Rubinstein-Taybi syndrome. Last evaluated: 2023-08-24. Review status: criteria provided, single submitter. Criteria: Invitae Variant Classification Sherloc (09022015). Collection method: clinical testing. Allele origin: germline.
Comment: This sequence change creates a premature translational stop signal (p.Gly174Valfs*4) in the CREBBP gene. It is expected to result in an absent or disrupted protein product. Loss-of-function variants in CREBBP are known to be pathogenic (PMID: 17052327, 18792986). For these reasons, this variant has been classified as Pathogenic. ClinVar contains an entry for this variant (Variation ID: 1994881). This variant has not been reported in the literature in individuals affected with CREBBP-related conditions. This variant is not present in population databases (gnomAD no frequency).

Literature cited by the submitters: PubMed 17052327; PubMed 18792986.